The following is an entry in ClinVar:

NM_001035.3(RYR2):c.5764A>G (p.Ile1922Val)

Gene: RYR2 (ryanodine receptor 2; plus strand). Cytogenetic location: 1q43.
Variant type: single nucleotide variant.
Coding change: c.5764A>G on transcript NM_001035.3 (MANE Select); coding-DNA position 5764, A replaced by G.
Protein change: p.Ile1922Val; replaces isoleucine 1922 with valine.
Molecular consequence: missense variant.
Genome position (GRCh38, 1-based): chr1:237,617,334, A>G. VCF-style: chr1-237617334-A-G. GRCh37 (hg19) VCF-style: chr1-237780634-A-G.
Other names: c.5764A>G (NM_001035.2); short protein forms I1922V.
Identifiers: ClinVar variation 1417714 (VCV001417714.10), dbSNP rs374874044, ClinGen allele CA39833710.

ClinVar aggregate classification (germline): Uncertain significance. Review status: criteria provided, multiple submitters, no conflicts (2 of 4 stars). 2 submissions from 2 submitters: Uncertain significance (2). Last evaluated 2026-07-06.

Conditions:
Cardiovascular phenotype. Identifiers: MedGen CN230736.
Catecholaminergic polymorphic ventricular tachycardia 1. Also called: RYR2-Related Catecholaminergic Polymorphic Ventricular Tachycardia; VENTRICULAR TACHYCARDIA, STRESS-INDUCED POLYMORPHIC 1; VENTRICULAR TACHYCARDIA, CATECHOLAMINERGIC POLYMORPHIC, 1, WITH OR WITHOUT ATRIAL DYSFUNCTION AND/OR DILATED CARDIOMYOPATHY. Identifiers: Orphanet 3286, MedGen C1631597, MONDO:0011484, OMIM 604772.

Allele frequency attached by ClinVar (database versions not stated): TOPMed below 0.00001; ESP Exome Variant Server 0.00008.
gnomAD v4.1: 1 of 1,613,860 alleles (0.000062%); highest among the groups gnomAD compares: Non-Finnish European, 0.000085%; no homozygotes.

Submissions (2):

Ambry Genetics
Classification: Uncertain significance for Cardiovascular phenotype. Last evaluated: 2026-07-06. Review status: criteria provided, single submitter. Criteria: Ambry Variant Classification Scheme 2023. Collection method: clinical testing. Allele origin: germline.
Comment: The p.I1922V variant (also known as c.5764A>G), located in coding exon 38 of the RYR2 gene, results from an A to G substitution at nucleotide position 5764. The isoleucine at codon 1922 is replaced by valine, an amino acid with highly similar properties. This amino acid position is conserved. In addition, this alteration is predicted to be tolerated by in silico analysis. Based on the available evidence, the clinical significance of this variant remains unclear.

Labcorp Genetics (formerly Invitae), Labcorp
Classification: Uncertain significance for Catecholaminergic polymorphic ventricular tachycardia 1. Last evaluated: 2020-12-06. Review status: criteria provided, single submitter. Criteria: Invitae Variant Classification Sherloc (09022015). Collection method: clinical testing. Allele origin: germline.
Comment: In summary, the available evidence is currently insufficient to determine the role of this variant in disease. Therefore, it has been classified as a Variant of Uncertain Significance. Algorithms developed to predict the effect of sequence changes on RNA splicing suggest that this variant may create or strengthen a splice site, but this prediction has not been confirmed by published transcriptional studies. Advanced modeling of protein sequence and biophysical properties (such as structural, functional, and spatial information, amino acid conservation, physicochemical variation, residue mobility, and thermodynamic stability) performed at Invitae indicates that this missense variant is not expected to disrupt RYR2 protein function. This variant has not been reported in the literature in individuals with RYR2-related conditions. This variant is not present in population databases (ExAC no frequency). This sequence change replaces isoleucine with valine at codon 1922 of the RYR2 protein (p.Ile1922Val). The isoleucine residue is highly conserved and there is a small physicochemical difference between isoleucine and valine.